The following is an entry in ClinVar:

NM_001127198.5(TMC6):c.1925C>G (p.Pro642Arg)

Gene: TMC6 (transmembrane channel like 6; minus strand). Cytogenetic location: 17q25.3.
Variant type: single nucleotide variant.
Coding change: c.1925C>G on transcript NM_001127198.5 (MANE Select); coding-DNA position 1925, C replaced by G.
Protein change: p.Pro642Arg; replaces proline 642 with arginine.
Molecular consequence: missense variant. On other transcripts: non-coding transcript variant (4).
Genome position (GRCh38, 1-based): chr17:78,117,898, G>C on the plus strand (C>G on the coding strand, the complement: TMC6 is on the minus strand). VCF-style: chr17-78117898-G-C. GRCh37 (hg19) VCF-style: chr17-76113979-G-C.
Other names: c.1925C>G, p.Pro642Arg (NM_001321185.1, NM_001374596.1, NM_001375353.1 and 2 more transcripts); c.1745C>G, p.Pro582Arg (NM_001374593.1, NM_001374594.1); short protein forms P582R, P642R.
Identifiers: ClinVar variation 3969647 (VCV003969647.2).

ClinVar aggregate classification (germline): Uncertain significance. Review status: criteria provided, multiple submitters, no conflicts (2 of 4 stars). 2 submissions from 2 submitters: Uncertain significance (2). Last evaluated 2025-09-08.

Conditions:
Inborn genetic diseases. Identifiers: MedGen C0950123, MeSH D030342.
Epidermodysplasia verruciformis. Identifiers: Orphanet 302, MedGen C0014522, MONDO:0009176.

gnomAD v4.1: 6 of 1,605,132 alleles (0.00037%); highest among the groups gnomAD compares: Non-Finnish European, 0.00051%; no homozygotes.

Submissions (2):

Labcorp Genetics (formerly Invitae), Labcorp
Classification: Uncertain significance for Epidermodysplasia verruciformis. Last evaluated: 2025-09-08. Review status: criteria provided, single submitter. Criteria: Invitae Variant Classification Sherloc (09022015). Collection method: clinical testing. Allele origin: germline.
Comment: This sequence change replaces proline, which is neutral and non-polar, with arginine, which is basic and polar, at codon 642 of the TMC6 protein (p.Pro642Arg). This variant is present in population databases (no rsID available, gnomAD 0.002%). This variant has not been reported in the literature in individuals affected with TMC6-related conditions. ClinVar contains an entry for this variant (Variation ID: 3969647). An algorithm developed to predict the effect of missense changes on protein structure and function (PolyPhen-2) suggests that this variant is likely to be disruptive. In summary, the available evidence is currently insufficient to determine the role of this variant in disease. Therefore, it has been classified as a Variant of Uncertain Significance.

Ambry Genetics
Classification: Uncertain significance for Inborn genetic diseases. Last evaluated: 2025-04-13. Review status: criteria provided, single submitter. Criteria: Ambry Variant Classification Scheme 2023. Collection method: clinical testing. Allele origin: germline.